The following is an entry in ClinVar:

NM_001098426.2(SMARCD2):c.1205A>C (p.Lys402Thr)

Gene: SMARCD2 (SWI/SNF related BAF chromatin remodeling complex subunit D2; minus strand). Cytogenetic location: 17q23.3.
Variant type: single nucleotide variant.
Coding change: c.1205A>C on transcript NM_001098426.2 (MANE Select); coding-DNA position 1205, A replaced by C.
Protein change: p.Lys402Thr; replaces lysine 402 with threonine.
Molecular consequence: missense variant.
Genome position (GRCh38, 1-based): chr17:63,833,699, T>G on the plus strand (A>C on the coding strand, the complement: SMARCD2 is on the minus strand). VCF-style: chr17-63833699-T-G. GRCh37 (hg19) VCF-style: chr17-61911059-T-G.
Other names: c.980A>C, p.Lys327Thr (NM_001330439.1); c.1061A>C, p.Lys354Thr (NM_001330440.2); short protein forms K354T, K402T, K327T.
Identifiers: ClinVar variation 1944400 (VCV001944400.4), dbSNP rs368597638, ClinGen allele CA8706262.

ClinVar aggregate classification (germline): Uncertain significance. Review status: criteria provided, multiple submitters, no conflicts (2 of 4 stars). 2 submissions from 2 submitters: Uncertain significance (2). Last evaluated 2025-11-27.

Allele frequency attached by ClinVar (database versions not stated): gnomAD 0.00002; gnomAD exomes 0.00002; TOPMed 0.00002; ExAC 0.00004; ESP Exome Variant Server 0.00008; 1000 Genomes Project 30x 0.00016; 1000 Genomes Project 0.00020.
gnomAD v4.1: 28 of 1,613,934 alleles (0.0017%); highest among the groups gnomAD compares: African/African-American, 0.0027%; no homozygotes.

Submissions (2):

Labcorp Genetics (formerly Invitae), Labcorp
Classification: Uncertain significance. Last evaluated: 2025-11-27. Review status: criteria provided, single submitter. Criteria: Invitae Variant Classification Sherloc (09022015). Collection method: clinical testing. Allele origin: germline.
Comment: This sequence change replaces lysine, which is basic and polar, with threonine, which is neutral and polar, at codon 402 of the SMARCD2 protein (p.Lys402Thr). This variant is present in population databases (rs368597638, gnomAD 0.007%). This variant has not been reported in the literature in individuals affected with SMARCD2-related conditions. ClinVar contains an entry for this variant (Variation ID: 1944400). Invitae Evidence Modeling of protein sequence and biophysical properties (such as structural, functional, and spatial information, amino acid conservation, physicochemical variation, residue mobility, and thermodynamic stability) indicates that this missense variant is not expected to disrupt SMARCD2 protein function with a negative predictive value of 80%. In summary, the available evidence is currently insufficient to determine the role of this variant in disease. Therefore, it has been classified as a Variant of Uncertain Significance.

Blueprint Genetics
Classification: Uncertain significance. Last evaluated: 2023-04-03. Review status: criteria provided, single submitter. Criteria: ACMG Guidelines, 2015. Collection method: clinical testing. Allele origin: germline.